The following is an entry in ClinVar:

NM_006031.6(PCNT):c.4115T>C (p.Leu1372Pro)

Gene: PCNT (pericentrin; plus strand). Cytogenetic location: 21q22.3.
Variant type: single nucleotide variant.
Coding change: c.4115T>C on transcript NM_006031.6 (MANE Select); coding-DNA position 4115, T replaced by C.
Protein change: p.Leu1372Pro; replaces leucine 1372 with proline.
Molecular consequence: missense variant.
Genome position (GRCh38, 1-based): chr21:46,391,275, T>C. VCF-style: chr21-46391275-T-C. GRCh37 (hg19) VCF-style: chr21-47811190-T-C.
Other names: c.3761T>C, p.Leu1254Pro (NM_001315529.2); short protein forms L1254P, L1372P.
Identifiers: ClinVar variation 3358425 (VCV003358425.1).
Genomic context (GRCh38, chr21:46,391,275, plus strand): 5'-CCGGGAAGGAGGATTCCGAGCACCGTCTGGTGCTGGAGCTGGAGAGCCTGAGACGGCAGC[T>C]GCAGCAGGCGGCCCAGGAGCAGGCGGCGCTGAGGGAGGAGTGCACCCGTCTGTGGAGTCG-3'
Protein context (NP_006022.3, residues 1362-1382): VLELESLRRQ[Leu1372Pro]QQAAQEQAAL

ClinVar aggregate classification (germline): Uncertain significance (0 of 4 stars; one submission).

Conditions:
PCNT-related disorder. Also called: PCNT-related condition.

gnomAD v4.1: 74 of 1,592,600 alleles (0.0046%); highest among the groups gnomAD compares: Non-Finnish European, 0.0062%; no homozygotes.

Submission:

PreventionGenetics, part of Exact Sciences
Classification: Uncertain significance for PCNT-related condition. Last evaluated: 2024-01-19. Review status: no assertion criteria provided. Collection method: clinical testing. Allele origin: germline.
Comment: The PCNT c.4115T>C variant is predicted to result in the amino acid substitution p.Leu1372Pro. To our knowledge, this variant has not been reported in the literature or in a large population database, indicating this variant is rare. At this time, the clinical significance of this variant is uncertain due to the absence of conclusive functional and genetic evidence.